The following is an entry in ClinVar:

NM_001134363.3(RBM20):c.2540C>T (p.Ala847Val)

Gene: RBM20 (RNA binding motif protein 20; plus strand). Cytogenetic location: 10q25.2.
Variant type: single nucleotide variant.
Coding change: c.2540C>T on transcript NM_001134363.3 (MANE Select); coding-DNA position 2540, C replaced by T.
Protein change: p.Ala847Val; replaces alanine 847 with valine.
Molecular consequence: missense variant.
Genome position (GRCh38, 1-based): chr10:110,812,937, C>T. VCF-style: chr10-110812937-C-T. GRCh37 (hg19) VCF-style: chr10-112572695-C-T.
Other names: short protein forms A847V.
Identifiers: ClinVar variation 1392276 (VCV001392276.10), dbSNP rs1844794673, ClinGen allele CA378374767.

ClinVar aggregate classification (germline): Uncertain significance. Review status: criteria provided, multiple submitters, no conflicts (2 of 4 stars). 2 submissions from 2 submitters: Uncertain significance (2). Last evaluated 2025-02-18.

Conditions:
Cardiovascular phenotype. Identifiers: MedGen CN230736.
Dilated cardiomyopathy 1DD (CMD1DD). Identifiers: Orphanet 154, MedGen C2750995, MONDO:0013168, OMIM 613172.

Submissions (2):

Labcorp Genetics (formerly Invitae), Labcorp
Classification: Uncertain significance for Dilated cardiomyopathy 1DD. Last evaluated: 2025-02-18. Review status: criteria provided, single submitter. Criteria: Invitae Variant Classification Sherloc (09022015). Collection method: clinical testing. Allele origin: germline.
Comment: This sequence change replaces alanine, which is neutral and non-polar, with valine, which is neutral and non-polar, at codon 847 of the RBM20 protein (p.Ala847Val). This variant is not present in population databases (gnomAD no frequency). This variant has not been reported in the literature in individuals affected with RBM20-related conditions. ClinVar contains an entry for this variant (Variation ID: 1392276). Invitae Evidence Modeling of protein sequence and biophysical properties (such as structural, functional, and spatial information, amino acid conservation, physicochemical variation, residue mobility, and thermodynamic stability) indicates that this missense variant is not expected to disrupt RBM20 protein function with a negative predictive value of 95%. In summary, the available evidence is currently insufficient to determine the role of this variant in disease. Therefore, it has been classified as a Variant of Uncertain Significance.

Ambry Genetics
Classification: Uncertain significance for Cardiovascular phenotype. Last evaluated: 2021-05-26. Review status: criteria provided, single submitter. Criteria: Ambry Variant Classification Scheme 2023. Collection method: clinical testing. Allele origin: germline.
Comment: The p.A847V variant (also known as c.2540C>T), located in coding exon 9 of the RBM20 gene, results from a C to T substitution at nucleotide position 2540. The alanine at codon 847 is replaced by valine, an amino acid with similar properties. This amino acid position is well conserved in available vertebrate species. In addition, this alteration is predicted to be tolerated by in silico analysis. Since supporting evidence is limited at this time, the clinical significance of this alteration remains unclear.